The following is an entry in ClinVar:

ClinVar aggregate classification (germline): Pathogenic. Review status: criteria provided, multiple submitters, no conflicts (2 of 4 stars). 4 submissions from 4 submitters: Pathogenic (3). 1 of the submissions does not count toward it. Last evaluated 2025-05-09.

Conditions:
Hereditary cancer-predisposing syndrome. Also called: Hereditary Cancer Syndrome; Hereditary neoplastic syndrome; Neoplastic Syndromes, Hereditary; Tumor predisposition. Identifiers: Orphanet 140162, MedGen C0027672, MeSH D009386, MONDO:0015356.
Familial adenomatous polyposis 1 (FAP1). Also called: FAMILIAL ADENOMATOUS POLYPOSIS 1, ATTENUATED; POLYPOSIS, ADENOMATOUS INTESTINAL. Identifiers: MedGen C2713442, MONDO:0021056, OMIM 175100. Disease mechanism: loss of function.

Submissions (4):

Ambry Genetics
Classification: Pathogenic for Hereditary cancer-predisposing syndrome. Last evaluated: 2025-05-09. Review status: criteria provided, single submitter. Criteria: Ambry Variant Classification Scheme 2023. Collection method: clinical testing. Allele origin: germline.
Comment: The c.4652_4655delAAGA pathogenic mutation, located in coding exon 15 of the APC gene, results from a deletion of 4 nucleotides between positions 4652 and 4655, causing a translational frameshift with a predicted alternate stop codon (p.K1551Rfs*13). This alteration occurs at the 3' terminus of theAPC gene, is not expected to trigger nonsense-mediated mRNA decay, and impacts the last 1293 amino acids of the protein. However, premature stop codons are typically deleterious in nature a significant portion of the protein is affected (Ambry internal data). This alteration was first reported as a 4 bp deletion at codon 1552 in a German family affected with familial adenomatous polyposis (FAP) (Mandl M et al. Hum Mol Genet. 1994 Jan;3(1):181-4). This alteration has since been identified by another study in 2 individuals from a cohort of 1166 unrelated German patients with a clinical diagnosis of FAP or multiple adenomatous polyposis consistent with attenuated FAP (AFAP) (Friedl W et al. Hered Cancer Clin Pract. 2005 Sep 15;3(3):95-114). An additional study detected this alteration in 2 of 1591 consecutive patients referred for molecular analysis of APC due to suspected FAP at the Mayo Clinic. The authors note that these individuals were affected with AFAP, epidermal cysts and supernumerary teeth (Kerr S et al. J Mol Diagn. 2013 Jan;15(1):31-43). This variant is considered to be rare based on population cohorts in the Genome Aggregation Database (gnomAD). Based on the supporting evidence, this alteration is interpreted as a disease-causing mutation.

Labcorp Genetics (formerly Invitae), Labcorp
Classification: Pathogenic for Familial adenomatous polyposis 1. Last evaluated: 2024-07-13. Review status: criteria provided, single submitter. Criteria: Invitae Variant Classification Sherloc (09022015). Collection method: clinical testing. Allele origin: germline.
Comment: This sequence change creates a premature translational stop signal (p.Lys1551Argfs*13) in the APC gene. While this is not anticipated to result in nonsense mediated decay, it is expected to disrupt the last 1293 amino acid(s) of the APC protein. This variant is not present in population databases (gnomAD no frequency). This premature translational stop signal has been observed in individual(s) with familial adenomatous polyposis (PMID: 8162022). ClinVar contains an entry for this variant (Variation ID: 217987). This variant is expected to disrupt the EB1 and HDLG binding sites, which mediate interactions with the cytoskeleton (PMID: 15311282, 17293347). While functional studies have not been performed to directly test the effect on APC protein function, this suggests that disruption of the C-terminal portion of the protein is functionally important. A different truncation (p.Tyr2645Lysfs*14) that lies downstream of this variant has been determined to be pathogenic (PMID: 9824584, 1316610, 27081525, 8381579, 22135120, Invitae). This suggests that deletion of this region of the APC protein is causative of disease. For these reasons, this variant has been classified as Pathogenic.

Myriad Genetics, Inc.
Classification: Pathogenic for Familial adenomatous polyposis 1. Last evaluated: 2023-05-11. Review status: criteria provided, single submitter. Criteria: Myriad Autosomal Dominant, Autosomal Recessive and X-Linked Classification Criteria (2023). Collection method: clinical testing. Allele origin: unknown.
Comment: This variant is considered pathogenic. This variant creates a frameshift predicted to result in premature protein truncation.

Mayo Clinic Laboratories, Mayo Clinic
Classification: Pathogenic. Review status: no assertion criteria provided. Collection method: research. Allele origin: unknown. Observed: 3 variant alleles. Not counted in ClinVar's aggregate classification.

Literature cited by the submitters: PubMed 20223039 (cited by Ambry Genetics); PubMed 23159591 (cited by Ambry Genetics); PubMed 8162022 (cited by Ambry Genetics and Labcorp Genetics (formerly Invitae), Labcorp); PubMed 15311282 (cited by Labcorp Genetics (formerly Invitae), Labcorp); PubMed 17293347 (cited by Labcorp Genetics (formerly Invitae), Labcorp); PubMed 9824584 (cited by Labcorp Genetics (formerly Invitae), Labcorp); PubMed 1316610 (cited by Labcorp Genetics (formerly Invitae), Labcorp); PubMed 27081525 (cited by Labcorp Genetics (formerly Invitae), Labcorp); PubMed 8381579 (cited by Labcorp Genetics (formerly Invitae), Labcorp); PubMed 22135120 (cited by Labcorp Genetics (formerly Invitae), Labcorp).

NM_000038.6(APC):c.4652_4655del (p.Lys1551fs)

Gene: APC (APC regulator of Wnt signaling pathway; plus strand). Cytogenetic location: 5q22.2.
Variant type: Deletion.
Coding change: c.4652_4655del on transcript NM_000038.6 (MANE Select); coding-DNA positions 4652 to 4655, 4 bases deleted (AAGA; older notation c.4652_4655delAAGA).
Protein change: p.Lys1551fs; shifts the reading frame from lysine 1551.
Molecular consequence: frameshift variant.
Genome position (GRCh38, 1-based): chr5:112,840,246-112,840,249, AAGA deleted; deleting any 4 consecutive bases within chr5:112,840,243-112,840,249 gives the same sequence; the c. name uses the placement nearest the transcript's 3' end. VCF-style (leftmost placement, unchanged base first): chr5-112840242-GAGAA-G. GRCh37 (hg19) VCF-style: chr5-112175939-GAGAA-G.
Other names: c.4652_4655del, p.Lys1551fs (NM_001127510.3, NM_001354895.2); c.4598_4601del, p.Lys1533fs (NM_001127511.3); c.4706_4709del, p.Lys1569fs (NM_001354896.2); c.4682_4685del, p.Lys1561fs (NM_001354897.2); c.4577_4580del, p.Lys1526fs (NM_001354898.2); c.4568_4571del, p.Lys1523fs (NM_001354899.2); c.4529_4532del, p.Lys1510fs (NM_001354900.2); c.4475_4478del, p.Lys1492fs (NM_001354901.2); and 5 more; short protein forms K1425fs, K1460fs, K1492fs, K1526fs, K1533fs, K1561fs, K1551fs, K1268fs.
Identifiers: ClinVar variation 217987 (VCV000217987.14), dbSNP rs863225358, ClinGen allele CA279830.